The following is an entry in ClinVar:

NM_017780.4(CHD7):c.902C>T (p.Ser301Phe)

Gene: CHD7 (chromodomain helicase DNA binding protein 7; plus strand). Cytogenetic location: 8q12.2.
Variant type: single nucleotide variant.
Coding change: c.902C>T on transcript NM_017780.4 (MANE Select); coding-DNA position 902, C replaced by T.
Protein change: p.Ser301Phe; replaces serine 301 with phenylalanine.
Molecular consequence: missense variant.
Genome position (GRCh38, 1-based): chr8:60,742,334, C>T. VCF-style: chr8-60742334-C-T. GRCh37 (hg19) VCF-style: chr8-61654893-C-T.
Other names: c.902C>T, p.Ser301Phe (NM_001316690.1); short protein forms S301F.
Identifiers: ClinVar variation 2866294 (VCV002866294.5), dbSNP rs1809081710, ClinGen allele CA371299979.
Genomic context (GRCh38, chr8:60,742,334, plus strand): 5'-AACAAGGGGCTGTTAGGCCGCAAACCCTTAACTTTAGTTCTCGGAGCCAGACAGTCCCCT[C>T]TCCTACTATAAACAACTCAGGGCAGTATTCTCGATATCCTTACAGTAACCTAAATCAGGG-3'
Protein context (NP_060250.2, residues 291-311): NFSSRSQTVP[Ser301Phe]PTINNSGQYS

ClinVar aggregate classification (germline): Uncertain significance. Review status: criteria provided, multiple submitters, no conflicts (2 of 4 stars). 2 submissions from 2 submitters: Uncertain significance (2). Last evaluated 2026-06-01.

Conditions:
CHARGE syndrome (CHARGE). Also called: Hittner Hirsch Kreh syndrome; CHARGE ASSOCIATION--COLOBOMA, HEART ANOMALY, CHOANAL ATRESIA, RETARDATION, GENITAL AND EAR ANOMALIES; Coloboma, heart anomaly, choanal atresia, retardation, genital and ear anomalies; CHARGE association; Hall-Hittner syndrome. Identifiers: Orphanet 138, MedGen C0265354, MONDO:0008965.

Allele frequency attached by ClinVar (database versions not stated): gnomAD 0.00001.
gnomAD v4.1: 1 of 1,613,864 alleles (0.000062%); highest among the groups gnomAD compares: Admixed American, 0.0017%; no homozygotes.

Submissions (2):

CeGaT Center for Human Genetics Tuebingen
Classification: Uncertain significance. Last evaluated: 2026-06-01. Review status: criteria provided, single submitter. Criteria: CeGaT Center For Human Genetics Tuebingen Variant Classification Criteria Version 2. Collection method: clinical testing. Allele origin: germline. Affected: yes. Observed: 1 variant allele.
Comment: CHD7: PM2

Labcorp Genetics (formerly Invitae), Labcorp
Classification: Uncertain significance for CHARGE syndrome. Last evaluated: 2023-05-20. Review status: criteria provided, single submitter. Criteria: Invitae Variant Classification Sherloc (09022015). Collection method: clinical testing. Allele origin: germline.
Comment: In summary, the available evidence is currently insufficient to determine the role of this variant in disease. Therefore, it has been classified as a Variant of Uncertain Significance. Advanced modeling of protein sequence and biophysical properties (such as structural, functional, and spatial information, amino acid conservation, physicochemical variation, residue mobility, and thermodynamic stability) has been performed at Invitae for this missense variant, however the output from this modeling did not meet the statistical confidence thresholds required to predict the impact of this variant on CHD7 protein function. This variant has not been reported in the literature in individuals affected with CHD7-related conditions. This variant is not present in population databases (gnomAD no frequency). This sequence change replaces serine, which is neutral and polar, with phenylalanine, which is neutral and non-polar, at codon 301 of the CHD7 protein (p.Ser301Phe).